The following is an entry in ClinVar:

ClinVar aggregate classification (germline): Benign/Likely benign. Review status: criteria provided, multiple submitters, no conflicts (2 of 4 stars). 3 submissions from 3 submitters: Benign (1); Likely benign (2). Last evaluated 2025-09-10.

Conditions:
Renal cell carcinoma. Identifiers: Orphanet 217071, MedGen C0007134, MeSH D002292, MONDO:0005086, HP:0005584.
Hereditary cancer-predisposing syndrome. Also called: Hereditary neoplastic syndrome; Tumor predisposition; Hereditary Cancer Syndrome; Neoplastic Syndromes, Hereditary. Identifiers: Orphanet 140162, MedGen C0027672, MeSH D009386, MONDO:0015356.
Papillary renal cell carcinoma type 1 (RCCP1). Also called: Renal adenocarcinoma; Renal cell carcinoma 1; Renal cell carcinoma, somatic; RENAL CELL CARCINOMA, PAPILLARY, 1, SOMATIC. Identifiers: Orphanet 47044, MedGen C1336839, OMIM 605074, HP:0011797.

Allele frequency attached by ClinVar (database versions not stated): gnomAD exomes below 0.00001; gnomAD 0.00001.

Submissions (3):

Labcorp Genetics (formerly Invitae), Labcorp
Classification: Likely benign for Renal cell carcinoma. Last evaluated: 2025-09-10. Review status: criteria provided, single submitter. Criteria: Invitae Variant Classification Sherloc (09022015). Collection method: clinical testing. Allele origin: germline.

Myriad Genetics, Inc.
Classification: Benign for Papillary renal cell carcinoma type 1. Last evaluated: 2024-11-06. Review status: criteria provided, single submitter. Criteria: Myriad Autosomal Dominant, Autosomal Recessive and X-Linked Classification Criteria (2023). Collection method: clinical testing. Allele origin: unknown.
Comment: This variant is considered benign. This variant is a silent/synonymous amino acid change and it is not expected to impact splicing.

Ambry Genetics
Classification: Likely benign for Hereditary cancer-predisposing syndrome. Last evaluated: 2021-03-31. Review status: criteria provided, single submitter. Criteria: Ambry Variant Classification Scheme 2023. Collection method: clinical testing. Allele origin: germline.

NM_000245.4(MET):c.141C>T (p.Thr47=)

Gene: MET (MET proto-oncogene, receptor tyrosine kinase; plus strand). Cytogenetic location: 7q31.2.
Variant type: single nucleotide variant.
Coding change: c.141C>T on transcript NM_000245.4 (MANE Select); coding-DNA position 141, C replaced by T.
Protein change: p.Thr47=; no amino-acid change (threonine 47 retained).
Molecular consequence: synonymous variant. On other transcripts: intron variant (1).
Genome position (GRCh38, 1-based): chr7:116,699,225, C>T. VCF-style: chr7-116699225-C-T. GRCh37 (hg19) VCF-style: chr7-116339279-C-T.
Other names: c.141C>T, p.Thr47= (NM_001127500.3, NM_001324401.3); c.-91+26648C>T (NM_001324402.2).
Identifiers: ClinVar variation 219723 (VCV000219723.15), dbSNP rs864622222, ClinGen allele CA350677.